The following is an entry in ClinVar:

NM_003072.5(SMARCA4):c.2002-19T>C

Gene: SMARCA4 (SWI/SNF related BAF chromatin remodeling complex subunit ATPase 4; plus strand). Cytogenetic location: 19p13.2.
Variant type: single nucleotide variant.
Coding change: c.2002-19T>C on transcript NM_003072.5 (MANE Select); 19 bases into the intron before coding-DNA position 2002, T replaced by C.
Molecular consequence: intron variant.
Genome position (GRCh38, 1-based): chr19:11,007,883, T>C. VCF-style: chr19-11007883-T-C. GRCh37 (hg19) VCF-style: chr19-11118559-T-C.
Other names: c.2002-19T>C (NM_001128844.3, NM_001128849.3, NM_001128847.4 and 5 more transcripts).
Identifiers: ClinVar variation 445485 (VCV000445485.15), dbSNP rs111899994, ClinGen allele CA9203984.
Genomic context (GRCh38, chr19:11,007,883, plus strand): 5'-GAGACTGTTCTCCCCATGGGAGTCCCGTCCCCCCTCTCTGGGGGATGAACTGAGGTGACA[T>C]GGGCTTGTCTCTTGGTAGGAGGAGGAGGAAGAGCAGCCGCAGGCAGCACAGCCTCCCACC-3'

ClinVar aggregate classification (germline): Benign/Likely benign. Review status: criteria provided, multiple submitters, no conflicts (2 of 4 stars). 7 submissions from 7 submitters: Benign (2); Likely benign (5). Last evaluated 2026-07-10.

Conditions:
Rhabdoid tumor predisposition syndrome 2 (RTPS2). Identifiers: Orphanet 231108, Orphanet 69077, MedGen C2750074, MONDO:0013224, OMIM 613325.
Intellectual disability, autosomal dominant 16 (CSS4). Also called: COFFIN-SIRIS SYNDROME 4. Identifiers: Orphanet 1465, MedGen C3553249, MONDO:0013821, OMIM 614609.

Allele frequency attached by ClinVar (database versions not stated): 1000 Genomes Project 0.00359; gnomAD 0.00536 and 0.00578; gnomAD exomes 0.00050 and 0.00125; ExAC 0.00138; 1000 Genomes Project 30x 0.00375; ESP Exome Variant Server 0.00500; TOPMed 0.00580.
gnomAD v4.1: 1,572 of 1,612,990 alleles (0.097%); highest among the groups gnomAD compares: African/African-American, 1.9%; 16 homozygotes.

Submissions (7):

Myriad Genetics, Inc.
Classification: Benign for Rhabdoid tumor predisposition syndrome 2. Last evaluated: 2026-07-10. Review status: criteria provided, single submitter. Criteria: Myriad Autosomal Dominant, Autosomal Recessive and X-Linked Classification Criteria (2023). Collection method: clinical testing. Allele origin: unknown.
Comment: This variant is considered benign. This variant is intronic and is not expected to impact mRNA splicing. This variant has been observed at a population frequency that is significantly greater than expected given the associated disease prevalence and penetrance.

Labcorp Genetics (formerly Invitae), Labcorp
Classification: Benign for Rhabdoid tumor predisposition syndrome 2. Last evaluated: 2026-02-04. Review status: criteria provided, single submitter. Criteria: Invitae Variant Classification Sherloc (09022015). Collection method: clinical testing. Allele origin: germline.

Fulgent Genetics
Classification: Likely benign for Rhabdoid tumor predisposition syndrome 2; Intellectual disability, autosomal dominant 16. Last evaluated: 2022-05-24. Review status: criteria provided, single submitter. Criteria: ACMG Guidelines, 2015. Collection method: clinical testing. Allele origin: unknown.

Institute for Clinical Genetics, University Hospital TU Dresden, University Hospital TU Dresden
Classification: Likely benign. Last evaluated: 2021-11-03. Review status: criteria provided, single submitter. Criteria: ACMG Guidelines, 2015. Collection method: clinical testing. Allele origin: germline.

GeneDx
Classification: Likely benign. Last evaluated: 2017-10-09. Review status: criteria provided, single submitter. Criteria: GeneDx Variant Classification (06012015). Collection method: clinical testing. Allele origin: germline. Affected: yes.
Comment: This variant is considered likely benign or benign based on one or more of the following criteria: it is a conservative change, it occurs at a poorly conserved position in the protein, it is predicted to be benign by multiple in silico algorithms, and/or has population frequency not consistent with disease.

Center for Pediatric Genomic Medicine, Children's Mercy Hospital and Clinics
Classification: Likely benign. Last evaluated: 2017-06-15. Review status: criteria provided, single submitter. Criteria: ACMG Guidelines, 2015. Collection method: clinical testing. Allele origin: germline.

Breakthrough Genomics
Classification: Likely benign. Review status: criteria provided, single submitter. Criteria: ACMG Guidelines, 2015. Collection method: not provided. Allele origin: germline. Inheritance: Autosomal dominant inheritance. Affected: yes.